The following is an entry in ClinVar:

NM_000052.7(ATP7A):c.2335_2339del (p.Thr779fs)

Gene: ATP7A (ATPase copper transporting alpha; plus strand). Cytogenetic location: Xq21.1.
Variant type: Deletion.
Coding change: c.2335_2339del on transcript NM_000052.7 (MANE Select); coding-DNA positions 2335 to 2339, 5 bases deleted (ACTTT; older notation c.2335_2339delACTTT).
Protein change: p.Thr779fs; shifts the reading frame from threonine 779.
Molecular consequence: frameshift variant. On other transcripts: intron variant (1).
Genome position (GRCh38, 1-based): chrX:78,013,041-78,013,045, ACTTT deleted; deleting any 5 consecutive bases within chrX:78,013,039-78,013,045 gives the same sequence; the c. name uses the placement nearest the transcript's 3' end. VCF-style (leftmost placement, unchanged base first): chrX-78013038-ATTACT-A. GRCh37 (hg19) VCF-style: chrX-77268535-ATTACT-A.
Other names: c.2172+1367_2172+1371del (NM_001282224.2); short protein forms T779fs.
Identifiers: ClinVar variation 4759259 (VCV004759259.1).
Genomic context (GRCh38, chrX:78,013,038, plus strand): 5'-TTTGCCTACTCTTTGATTATTCTTCTAGTTGCAATGTATGAGAGAGCCAAAGTGAACCCT[ATTACT>A]TTCTTTGACACACCCCCTATGCTGTTTGTGTTTATTGCACTAGGCCGATGGCTGGAACAT-3'

ClinVar aggregate classification (germline): Likely pathogenic (1 of 4 stars; one submission).

Conditions:
Menkes kinky-hair syndrome (MNK). Also called: Menkes Disease; Copper transport disease; Classic Menkes Disease. Identifiers: Orphanet 565, MedGen C0022716, MONDO:0010651, OMIM 309400.

Submission:

Variantyx, Inc.
Classification: Likely pathogenic for Menkes kinky-hair syndrome. Last evaluated: 2025-03-04. Review status: criteria provided, single submitter. Criteria: Variantyx Assertion Criteria 2022. Collection method: clinical testing. Allele origin: maternal. Affected: yes.
Comment: This is a frameshift variant in the ATP7A gene (OMIM: 300011). Pathogenic variants in this gene have been associated with X-linked Menkes disease. This variant introduces a premature termination codon in exon 10 out of 23. It is expected to result in loss of function, which is a known disease mechanism for ATP7A in this disorder (PMID: 14635105) (PVS1). This variant is absent from control populations (PM2_Supporting). This variant has not been reported in individuals with ATP7A-related disorders in the databases available for review. Based on the current evidence, this variant is classified as likely pathogenic for X-linked Menkes disease.